The following is an entry in ClinVar:

NM_001365276.2(TNXB):c.5509G>T (p.Ala1837Ser)

Gene: TNXB (tenascin XB; minus strand). Cytogenetic location: 6p21.33.
Variant type: single nucleotide variant.
Coding change: c.5509G>T on transcript NM_001365276.2 (MANE Select); coding-DNA position 5509, G replaced by T.
Protein change: p.Ala1837Ser; replaces alanine 1837 with serine.
Molecular consequence: missense variant.
Genome position (GRCh38, 1-based): chr6:32,069,631, C>A on the plus strand (G>T on the coding strand, the complement: TNXB is on the minus strand). VCF-style: chr6-32069631-C-A. GRCh37 (hg19) VCF-style: chr6-32037408-C-A.
Other names: c.5509G>T, p.Ala1837Ser (NM_019105.8); short protein forms A1837S.
Identifiers: ClinVar variation 2565713 (VCV002565713.2), dbSNP rs1446875043, ClinGen allele CA363411792.
Genomic context (GRCh38, chr6:32,069,631, plus strand): 5'-AGATGGGGCCCACACGCTTGCCGTGGTGCAGCCCGTAGAGCAGCAGCTTGTACCTGTGGG[C>A]AGGGTCCAGGCCCGGCACGCTGACCTCCCTGAGGCTGCCCTCCACGGGCACCACCTGGGG-3'
Protein context (NP_001352205.1, residues 1827-1847): REVSVPGLDP[Ala1837Ser]HRYKLLLYGL

ClinVar aggregate classification (germline): Uncertain significance (1 of 4 stars; one submission).

Conditions:
Cardiovascular phenotype. Identifiers: MedGen CN230736.

Allele frequency attached by ClinVar (database versions not stated): TOPMed below 0.00001; gnomAD 0.00001.
gnomAD v4.1: 1 of 1,611,568 alleles (0.000062%); highest among the groups gnomAD compares: African/African-American, 0.0013%; no homozygotes.

Submission:

Ambry Genetics
Classification: Uncertain significance for Cardiovascular phenotype. Last evaluated: 2023-03-24. Review status: criteria provided, single submitter. Criteria: Ambry Variant Classification Scheme 2023. Collection method: clinical testing. Allele origin: germline.
Comment: The p.A1837S variant (also known as c.5509G>T), located in coding exon 14 of the TNXB gene, results from a G to T substitution at nucleotide position 5509. The alanine at codon 1837 is replaced by serine, an amino acid with similar properties. This amino acid position is conserved. In addition, this alteration is predicted to be tolerated by in silico analysis. Since supporting evidence is limited at this time, the clinical significance of this alteration remains unclear.